The following is an entry in ClinVar:

NM_020706.2(SCAF4):c.1895G>A (p.Gly632Glu)

Gene: SCAF4 (SR-related CTD associated factor 4; minus strand). Cytogenetic location: 21q22.11.
Variant type: single nucleotide variant.
Coding change: c.1895G>A on transcript NM_020706.2 (MANE Select); coding-DNA position 1895, G replaced by A.
Protein change: p.Gly632Glu; replaces glycine 632 with glutamic acid.
Molecular consequence: missense variant.
Genome position (GRCh38, 1-based): chr21:31,688,455, C>T on the plus strand (G>A on the coding strand, the complement: SCAF4 is on the minus strand). VCF-style: chr21-31688455-C-T. GRCh37 (hg19) VCF-style: chr21-33060768-C-T.
Other names: c.1850G>A, p.Gly617Glu (NM_001145444.1); c.1895G>A, p.Gly632Glu (NM_001145445.1); short protein forms G617E, G632E.
Identifiers: ClinVar variation 2443556 (VCV002443556.1), dbSNP rs1338884823, ClinGen allele CA410046054.

ClinVar aggregate classification (germline): Uncertain significance (1 of 4 stars; one submission).

Allele frequency attached by ClinVar (database versions not stated): TOPMed below 0.00001.

Submission:

GeneDx
Classification: Uncertain significance. Last evaluated: 2022-09-12. Review status: criteria provided, single submitter. Criteria: GeneDx Variant Classification Process June 2021. Collection method: clinical testing. Allele origin: germline. Affected: yes.
Comment: Not observed at significant frequency in large population cohorts (gnomAD); In silico analysis supports that this missense variant has a deleterious effect on protein structure/function; Has not been previously published as pathogenic or benign to our knowledge